The following is an entry in ClinVar:

ClinVar aggregate classification (germline): Uncertain significance. Review status: criteria provided, multiple submitters, no conflicts (2 of 4 stars). 2 submissions from 2 submitters: Uncertain significance (2). Last evaluated 2025-06-24.

Conditions:
Cardiomyopathy (CMYO). Also called: Cardiomyopathies. Identifiers: Orphanet 167848, MedGen C0878544, MONDO:0004994, HP:0001638. Inheritance: Various modes of inheritance.

Allele frequency attached by ClinVar (database versions not stated): ExAC 0.00001.
gnomAD v4.1: 5 of 1,614,268 alleles (0.00031%); highest among the groups gnomAD compares: South Asian, 0.0022%; no homozygotes.

Submissions (2):

Revvity Omics, Revvity
Classification: Uncertain significance. Last evaluated: 2025-06-24. Review status: criteria provided, single submitter. Criteria: ACMG Guidelines, 2015. Collection method: clinical testing. Allele origin: germline.

All of Us Research Program, National Institutes of Health
Classification: Uncertain significance for Cardiomyopathy. Last evaluated: 2023-03-04. Review status: criteria provided, single submitter. Criteria: ACMG Guidelines, 2015. Collection method: clinical testing. Allele origin: germline. Inheritance: Autosomal dominant inheritance. Observed: 1 variant allele, 1 heterozygote.
Comment: This study involves interpretation of variants in research participants for the purpose of population health screening. Participant phenotype was not available at the time of variant classification. Additional details can be found in publication PMID: 35346344, PMCID: PMC8962531

NM_000257.4(MYH7):c.4603G>A (p.Ala1535Thr)

Genes: MHRT (myosin heavy chain associated RNA transcript; plus strand), MYH7 (myosin heavy chain 7; minus strand). Cytogenetic location: 14q11.2.
Variant type: single nucleotide variant.
Coding change: c.4603G>A on transcript NM_000257.4 (MANE Select); coding-DNA position 4603, G replaced by A.
Protein change: p.Ala1535Thr; replaces alanine 1535 with threonine.
Molecular consequence: missense variant.
Genome position (GRCh38, 1-based): chr14:23,416,909, C>T on the plus strand (G>A on the coding strand, the complement: MYH7 is on the minus strand). VCF-style: chr14-23416909-C-T. GRCh37 (hg19) VCF-style: chr14-23886118-C-T.
Other names: c.4603G>A, p.Ala1535Thr (NM_001407004.1); short protein forms A1535T.
Identifiers: ClinVar variation 3069446 (VCV003069446.2), dbSNP rs758608878, ClinGen allele CA043041.